The following is an entry in ClinVar:

ClinVar aggregate classification (germline): Uncertain significance. Review status: criteria provided, multiple submitters, no conflicts (2 of 4 stars). 2 submissions from 2 submitters: Uncertain significance (2). Last evaluated 2026-07-02.

Conditions:
Hereditary cancer-predisposing syndrome. Also called: Neoplastic Syndromes, Hereditary; Hereditary Cancer Syndrome; Tumor predisposition; Hereditary neoplastic syndrome. Identifiers: Orphanet 140162, MedGen C0027672, MeSH D009386, MONDO:0015356.
Tuberous sclerosis 2 (TSC2). Identifiers: Orphanet 805, MedGen C1860707, MONDO:0013199, OMIM 613254.

Submissions (2):

Ambry Genetics
Classification: Uncertain significance for Hereditary cancer-predisposing syndrome. Last evaluated: 2026-07-02. Review status: criteria provided, single submitter. Criteria: Ambry Variant Classification Scheme 2023. Collection method: clinical testing. Allele origin: germline.
Comment: The p.H582L variant (also known as c.1745A>T), located in coding exon 16 of the TSC2 gene, results from an A to T substitution at nucleotide position 1745. The histidine at codon 582 is replaced by leucine, an amino acid with similar properties. This amino acid position is conserved. In addition, this alteration is predicted to be deleterious by in silico analysis. Based on the available evidence, the clinical significance of this variant remains unclear.

Labcorp Genetics (formerly Invitae), Labcorp
Classification: Uncertain significance for Tuberous sclerosis 2. Last evaluated: 2025-06-16. Review status: criteria provided, single submitter. Criteria: Invitae Variant Classification Sherloc (09022015). Collection method: clinical testing. Allele origin: germline.
Comment: This sequence change replaces histidine, which is basic and polar, with leucine, which is neutral and non-polar, at codon 582 of the TSC2 protein (p.His582Leu). This variant is not present in population databases (gnomAD no frequency). This variant has not been reported in the literature in individuals affected with TSC2-related conditions. ClinVar contains an entry for this variant (Variation ID: 935375). Invitae Evidence Modeling of protein sequence and biophysical properties (such as structural, functional, and spatial information, amino acid conservation, physicochemical variation, residue mobility, and thermodynamic stability) has been performed for this missense variant. However, the output from this modeling did not meet the statistical confidence thresholds required to predict the impact of this variant on TSC2 protein function. In summary, the available evidence is currently insufficient to determine the role of this variant in disease. Therefore, it has been classified as a Variant of Uncertain Significance.

NM_000548.5(TSC2):c.1745A>T (p.His582Leu)

Gene: TSC2 (TSC complex subunit 2; plus strand). Cytogenetic location: 16p13.3.
Variant type: single nucleotide variant.
Coding change: c.1745A>T on transcript NM_000548.5 (MANE Select); coding-DNA position 1745, A replaced by T.
Protein change: p.His582Leu; replaces histidine 582 with leucine.
Molecular consequence: missense variant.
Genome position (GRCh38, 1-based): chr16:2,070,484, A>T. VCF-style: chr16-2070484-A-T. GRCh37 (hg19) VCF-style: chr16-2120485-A-T.
Other names: c.1745A>T, p.His582Leu (NM_001077183.3, NM_001114382.3, NM_001363528.2 and 3 more transcripts); c.1634A>T, p.His545Leu (NM_001318827.2); c.1598A>T, p.His533Leu (NM_001318829.2); c.1145A>T, p.His382Leu (NM_001318831.2); c.1778A>T, p.His593Leu (NM_001318832.2); short protein forms H533L, H593L, H382L, H545L, H582L.
Identifiers: ClinVar variation 935375 (VCV000935375.10), dbSNP rs2088124334, ClinGen allele CA394272772.